The following is an entry in ClinVar:

ClinVar aggregate classification (germline): Uncertain significance (1 of 4 stars; one submission).

gnomAD v4.1: 1 of 1,612,250 alleles (0.000062%); highest among the groups gnomAD compares: Non-Finnish European, 0.000085%; no homozygotes.

Submission:

GeneDx
Classification: Uncertain significance. Last evaluated: 2026-05-28. Review status: criteria provided, single submitter. Criteria: GeneDx Variant Classification Process June 2021. Collection method: clinical testing. Allele origin: germline.
Comment: In silico analysis supports that this missense variant has a deleterious effect on protein structure/function; Has not been previously published as pathogenic or benign to our knowledge

NM_007192.4(SUPT16H):c.1243G>C (p.Ala415Pro)

Gene: SUPT16H (SPT16 homolog, facilitates chromatin remodeling subunit; minus strand). Cytogenetic location: 14q11.2.
Variant type: single nucleotide variant.
Coding change: c.1243G>C on transcript NM_007192.4 (MANE Select); coding-DNA position 1243, G replaced by C.
Protein change: p.Ala415Pro; replaces alanine 415 with proline.
Molecular consequence: missense variant.
Genome position (GRCh38, 1-based): chr14:21,363,494, C>G on the plus strand (G>C on the coding strand, the complement: SUPT16H is on the minus strand). VCF-style: chr14-21363494-C-G. GRCh37 (hg19) VCF-style: chr14-21831653-C-G.
Other names: short protein forms A415P.
Identifiers: ClinVar variation 4538978 (VCV004538978.2).